The following is an entry in ClinVar:

ClinVar aggregate classification (germline): Uncertain significance (1 of 4 stars; one submission).

Conditions:
Hereditary cancer-predisposing syndrome. Also called: Neoplastic Syndromes, Hereditary; Tumor predisposition; Hereditary neoplastic syndrome; Hereditary Cancer Syndrome. Identifiers: Orphanet 140162, MedGen C0027672, MeSH D009386, MONDO:0015356.

Submission:

Ambry Genetics
Classification: Uncertain significance for Hereditary cancer-predisposing syndrome. Last evaluated: 2022-12-15. Review status: criteria provided, single submitter. Criteria: Ambry Variant Classification Scheme 2023. Collection method: clinical testing. Allele origin: germline.
Comment: The p.S1104R variant (also known as c.3312C>A), located in coding exon 20 of the DICER1 gene, results from a C to A substitution at nucleotide position 3312. The serine at codon 1104 is replaced by arginine, an amino acid with dissimilar properties. This amino acid position is conserved. In addition, the in silico prediction for this alteration is inconclusive. Since supporting evidence is limited at this time, the clinical significance of this alteration remains unclear.

NM_177438.3(DICER1):c.3312C>A (p.Ser1104Arg)

Gene: DICER1 (dicer 1, ribonuclease III; minus strand). Cytogenetic location: 14q32.13.
Variant type: single nucleotide variant.
Coding change: c.3312C>A on transcript NM_177438.3 (MANE Select); coding-DNA position 3312, C replaced by A.
Protein change: p.Ser1104Arg; replaces serine 1104 with arginine.
Molecular consequence: missense variant. On other transcripts: non-coding transcript variant (4).
Genome position (GRCh38, 1-based): chr14:95,104,084, G>T on the plus strand (C>A on the coding strand, the complement: DICER1 is on the minus strand). VCF-style: chr14-95104084-G-T. GRCh37 (hg19) VCF-style: chr14-95570421-G-T.
Other names: c.3312C>A, p.Ser1104Arg (NM_001195573.1, NM_001271282.3, NM_001291628.2 and 13 more transcripts); c.3030C>A, p.Ser1010Arg (NM_001395686.1); c.2907C>A, p.Ser969Arg (NM_001395687.1, NM_001395688.1, NM_001395689.1 and 2 more transcripts); c.2745C>A, p.Ser915Arg (NM_001395691.1); c.1629C>A, p.Ser543Arg (NM_001395697.1); short protein forms S1010R, S1104R, S915R, S543R, S969R.
Identifiers: ClinVar variation 2451702 (VCV002451702.2), dbSNP rs1555369738, ClinGen allele CA390875953.